The following is an entry in ClinVar:

NM_000260.4(MYO7A):c.2527G>C (p.Val843Leu)

Gene: MYO7A (myosin VIIA; plus strand). Cytogenetic location: 11q13.5.
Variant type: single nucleotide variant.
Coding change: c.2527G>C on transcript NM_000260.4 (MANE Select); coding-DNA position 2527, G replaced by C.
Protein change: p.Val843Leu; replaces valine 843 with leucine.
Molecular consequence: missense variant.
Genome position (GRCh38, 1-based): chr11:77,179,894, G>C. VCF-style: chr11-77179894-G-C. GRCh37 (hg19) VCF-style: chr11-76890940-G-C.
Other names: c.2527G>C, p.Val843Leu (NM_001127180.2); c.2494G>C, p.Val832Leu (NM_001369365.1); short protein forms V832L, V843L.
Identifiers: ClinVar variation 3634258 (VCV003634258.2).

ClinVar aggregate classification (germline): Uncertain significance (1 of 4 stars; one submission).

Submission:

Labcorp Genetics (formerly Invitae), Labcorp
Classification: Uncertain significance. Last evaluated: 2024-07-16. Review status: criteria provided, single submitter. Criteria: Invitae Variant Classification Sherloc (09022015). Collection method: clinical testing. Allele origin: germline.
Comment: This sequence change replaces valine, which is neutral and non-polar, with leucine, which is neutral and non-polar, at codon 843 of the MYO7A protein (p.Val843Leu). This variant is not present in population databases (gnomAD no frequency). This variant has not been reported in the literature in individuals affected with MYO7A-related conditions. Advanced modeling of protein sequence and biophysical properties (such as structural, functional, and spatial information, amino acid conservation, physicochemical variation, residue mobility, and thermodynamic stability) performed at Invitae indicates that this missense variant is not expected to disrupt MYO7A protein function with a negative predictive value of 95%. In summary, the available evidence is currently insufficient to determine the role of this variant in disease. Therefore, it has been classified as a Variant of Uncertain Significance.